The following is an entry in ClinVar:

ClinVar aggregate classification (germline): Pathogenic. Review status: criteria provided, multiple submitters, no conflicts (2 of 4 stars). 2 submissions from 2 submitters: Pathogenic (2). Last evaluated 2022-07-26.

Conditions:
Seizures, benign familial neonatal, 1. Also called: Seizures, benign neonatal, 1; KCNQ2-Related Self-Limited Familial Neonatal Epilepsy (SLFNE); Benign Neonatal Epilepsy 1; KCNQ2-Related Benign Familial Neonatal Epilepsy. Identifiers: Orphanet 1949, MedGen C3149074, MONDO:0007365, OMIM 121200.
Early-infantile DEE. Also called: Ohtahara syndrome; Early infantile epileptic encephalopathy; Early infantile epileptic encephalopathy with suppression bursts. Identifiers: Orphanet 1934, MedGen C0393706, MONDO:0800491.

Submissions (2):

Labcorp Genetics (formerly Invitae), Labcorp
Classification: Pathogenic for Early-infantile DEE. Last evaluated: 2022-07-26. Review status: criteria provided, single submitter. Criteria: Invitae Variant Classification Sherloc (09022015). Collection method: clinical testing. Allele origin: germline.
Comment: This variant is not present in population databases (gnomAD no frequency). This sequence change creates a premature translational stop signal (p.Gln471*) in the KCNQ2 gene. It is expected to result in an absent or disrupted protein product. Loss-of-function variants in KCNQ2 are known to be pathogenic (PMID: 14534157, 23692823, 27779742). This variant has not been reported in the literature in individuals affected with KCNQ2-related conditions. For these reasons, this variant has been classified as Pathogenic. ClinVar contains an entry for this variant (Variation ID: 813737).

Cytogénomique, Hospices Civils de Lyon
Classification: Pathogenic for Seizures, benign familial neonatal, 1. Last evaluated: 2016-08-03. Review status: criteria provided, single submitter. Criteria: ACMG Guidelines, 2015. Collection method: clinical testing. Allele origin: de novo. Inheritance: Autosomal dominant inheritance. Affected: yes.

Literature cited by the submitters: PubMed 14534157 (cited by Labcorp Genetics (formerly Invitae), Labcorp); PubMed 23692823 (cited by Labcorp Genetics (formerly Invitae), Labcorp); PubMed 27779742 (cited by Labcorp Genetics (formerly Invitae), Labcorp).

NM_172107.4(KCNQ2):c.1411C>T (p.Gln471Ter)

Gene: KCNQ2 (potassium voltage-gated channel subfamily Q member 2; minus strand). Cytogenetic location: 20q13.33.
Variant type: single nucleotide variant.
Coding change: c.1411C>T on transcript NM_172107.4 (MANE Select); coding-DNA position 1411, C replaced by T.
Protein change: p.Gln471Ter; replaces glutamine 471 with a stop codon.
Molecular consequence: nonsense.
Genome position (GRCh38, 1-based): chr20:63,415,017, G>A on the plus strand (C>T on the coding strand, the complement: KCNQ2 is on the minus strand). VCF-style: chr20-63415017-G-A. GRCh37 (hg19) VCF-style: chr20-62046370-G-A.
Other names: c.1327C>T, p.Gln443Ter (NM_004518.6); c.1357C>T, p.Gln453Ter (NM_172106.3); c.1321C>T, p.Gln441Ter (NM_172108.5); short protein forms Q471*, Q443*, Q453*, Q441*.
Identifiers: ClinVar variation 813737 (VCV000813737.7), dbSNP rs2516187432, ClinGen allele CA409646645.